The following is an entry in ClinVar:

NM_006231.4(POLE):c.578+3A>G

Gene: POLE (DNA polymerase epsilon, catalytic subunit; minus strand). Cytogenetic location: 12q24.33.
Variant type: single nucleotide variant.
Coding change: c.578+3A>G on transcript NM_006231.4 (MANE Select); 3 bases into the intron after coding-DNA position 578, A replaced by G.
Molecular consequence: intron variant.
Genome position (GRCh38, 1-based): chr12:132,679,494, T>C on the plus strand (A>G on the coding strand, the complement: POLE is on the minus strand). VCF-style: chr12-132679494-T-C. GRCh37 (hg19) VCF-style: chr12-133256080-T-C.
Identifiers: ClinVar variation 825968 (VCV000825968.10), dbSNP rs1593084889, ClinGen allele CA915946772.

ClinVar aggregate classification (germline): Uncertain significance. Review status: criteria provided, multiple submitters, no conflicts (2 of 4 stars). 2 submissions from 2 submitters: Uncertain significance (2). Last evaluated 2025-06-17.

Conditions:
Hereditary cancer-predisposing syndrome. Also called: Neoplastic Syndromes, Hereditary; Tumor predisposition; Hereditary neoplastic syndrome; Hereditary Cancer Syndrome. Identifiers: Orphanet 140162, MedGen C0027672, MeSH D009386, MONDO:0015356.

Submissions (2):

Ambry Genetics
Classification: Uncertain significance for Hereditary cancer-predisposing syndrome. Last evaluated: 2025-06-17. Review status: criteria provided, single submitter. Criteria: Ambry Variant Classification Scheme 2023. Collection method: clinical testing. Allele origin: germline.
Comment: The c.578+3A>G intronic variant results from an A to G substitution 3 nucleotides after coding exon 6 in the POLE gene. This nucleotide position is not well conserved in available vertebrate species. In silico splice site analysis predicts that this alteration will not have any significant effect on splicing. Based on the available evidence, the clinical significance of this variant remains unclear.

Labcorp Genetics (formerly Invitae), Labcorp
Classification: Uncertain significance. Last evaluated: 2024-03-06. Review status: criteria provided, single submitter. Criteria: Invitae Variant Classification Sherloc (09022015). Collection method: clinical testing. Allele origin: germline.
Comment: This sequence change falls in intron 6 of the POLE gene. It does not directly change the encoded amino acid sequence of the POLE protein. It affects a nucleotide within the consensus splice site. This variant is not present in population databases (gnomAD no frequency). This variant has not been reported in the literature in individuals affected with POLE-related conditions. ClinVar contains an entry for this variant (Variation ID: 825968). Variants that disrupt the consensus splice site are a relatively common cause of aberrant splicing (PMID: 17576681, 9536098). Algorithms developed to predict the effect of sequence changes on RNA splicing suggest that this variant may disrupt the consensus splice site. In summary, the available evidence is currently insufficient to determine the role of this variant in disease. Therefore, it has been classified as a Variant of Uncertain Significance.

Literature cited by the submitters: PubMed 17576681 (cited by Labcorp Genetics (formerly Invitae), Labcorp); PubMed 9536098 (cited by Labcorp Genetics (formerly Invitae), Labcorp).